The following is an entry in ClinVar:

ClinVar aggregate classification (germline): Conflicting classifications of pathogenicity. Review status: criteria provided, conflicting classifications (1 of 4 stars). 2 submissions from 2 submitters: Uncertain significance (1); Likely benign (1). Last evaluated 2025-10-09.

Conditions:
Supravalvar aortic stenosis (SVAS). Also called: Supravalvar aortic stenosis, Eisenberg type. Identifiers: Orphanet 3193, MedGen C0003499, MONDO:0008504, OMIM 185500, HP:0004381.

gnomAD v4.1: 12 of 1,614,236 alleles (0.00074%); highest among the groups gnomAD compares: East Asian, 0.025%; no homozygotes.

Submissions (2):

Labcorp Genetics (formerly Invitae), Labcorp
Classification: Uncertain significance for Supravalvar aortic stenosis. Last evaluated: 2025-10-09. Review status: criteria provided, single submitter. Criteria: Invitae Variant Classification Sherloc (09022015). Collection method: clinical testing. Allele origin: germline.
Comment: This sequence change replaces glycine, which is neutral and non-polar, with arginine, which is basic and polar, at codon 601 of the ELN protein (p.Gly601Arg). This variant is present in population databases (rs202022811, gnomAD 0.04%). This variant has not been reported in the literature in individuals affected with ELN-related conditions. Invitae Evidence Modeling of protein sequence and biophysical properties (such as structural, functional, and spatial information, amino acid conservation, physicochemical variation, residue mobility, and thermodynamic stability) indicates that this missense variant is not expected to disrupt ELN protein function with a negative predictive value of 80%. In summary, the available evidence is currently insufficient to determine the role of this variant in disease. Therefore, it has been classified as a Variant of Uncertain Significance.

Blueprint Genetics
Classification: Likely benign. Last evaluated: 2023-09-04. Review status: criteria provided, single submitter. Criteria: ACMG Guidelines, 2015. Collection method: clinical testing. Allele origin: germline.

NM_000501.4(ELN):c.1714G>A (p.Gly572Arg)

Genes: ELN (elastin; plus strand), ELN-AS1 (ELN antisense RNA 1; minus strand). Cytogenetic location: 7q11.23.
Variant type: single nucleotide variant.
Coding change: c.1714G>A on transcript NM_000501.4 (MANE Select); coding-DNA position 1714, G replaced by A.
Protein change: p.Gly572Arg; replaces glycine 572 with arginine.
Molecular consequence: missense variant.
Genome position (GRCh38, 1-based): chr7:74,060,468, G>A. VCF-style: chr7-74060468-G-A. GRCh37 (hg19) VCF-style: chr7-73474798-G-A.
Other names: c.1627G>A, p.Gly543Arg (NM_001081752.3); c.1672G>A, p.Gly558Arg (NM_001081753.3); c.1729G>A, p.Gly577Arg (NM_001081754.3); c.1657G>A, p.Gly553Arg (NM_001081755.3); c.1714G>A, p.Gly572Arg (NM_001278912.2); c.1471G>A, p.Gly491Arg (NM_001278913.2); c.1642G>A, p.Gly548Arg (NM_001278914.2); c.1732G>A, p.Gly578Arg (NM_001278915.2); and 4 more; short protein forms G483R, G491R, G524R, G543R, G548R, G553R, G558R, G562R.
Identifiers: ClinVar variation 4805771 (VCV004805771.2).